The following is an entry in ClinVar:

NM_005476.7(GNE):c.604C>T (p.Arg202Cys)

Gene: GNE (glucosamine (UDP-N-acetyl)-2-epimerase/N-acetylmannosamine kinase; minus strand). Cytogenetic location: 9p13.3.
Variant type: single nucleotide variant.
Coding change: c.604C>T on transcript NM_005476.7 (MANE Select); coding-DNA position 604, C replaced by T.
Protein change: p.Arg202Cys; replaces arginine 202 with cysteine.
Molecular consequence: missense variant.
Genome position (GRCh38, 1-based): chr9:36,246,043, G>A on the plus strand (C>T on the coding strand, the complement: GNE is on the minus strand). VCF-style: chr9-36246043-G-A. GRCh37 (hg19) VCF-style: chr9-36246040-G-A.
Other names: c.697C>T, p.Arg233Cys (NM_001128227.3); c.604C>T, p.Arg202Cys (NM_001190383.3, NM_001374797.1); c.427C>T, p.Arg143Cys (NM_001190384.3, NM_001190388.2, NM_001374798.1); short protein forms R233C, R143C, R202C.
Identifiers: ClinVar variation 1389485 (VCV001389485.5), dbSNP rs756309840, ClinGen allele CA5056706.

ClinVar aggregate classification (germline): Uncertain significance. Review status: criteria provided, multiple submitters, no conflicts (2 of 4 stars). 3 submissions from 3 submitters: Uncertain significance (3). Last evaluated 2023-09-26.

Conditions:
Sialuria. Also called: SIALURIA, FRENCH TYPE; Sialic Acid Storage Disease. Identifiers: Orphanet 3166, MedGen C0342853, MONDO:0010028, OMIM 269921.
GNE myopathy (NM). Also called: NONAKA DISTAL MYOPATHY; INCLUSION BODY MYOPATHY, HEREDITARY, AUTOSOMAL RECESSIVE; IBM 2; Inclusion body myopathy autosomal recessive; Inclusion body myopathy quadriceps sparing; INCLUSION BODY MYOPATHY 2, AUTOSOMAL RECESSIVE. Identifiers: Orphanet 602, MedGen C1853926, MONDO:0011603, OMIM 605820.
Inborn genetic diseases. Identifiers: MedGen C0950123, MeSH D030342.

Allele frequency attached by ClinVar (database versions not stated): gnomAD exomes 0.00001; ExAC 0.00002; gnomAD 0.00002 and 0.00003; TOPMed 0.00002.

Submissions (3):

Ambry Genetics
Classification: Uncertain significance for Inborn genetic diseases. Last evaluated: 2023-09-26. Review status: criteria provided, single submitter. Criteria: Ambry Variant Classification Scheme 2023. Collection method: clinical testing. Allele origin: germline.

Labcorp Genetics (formerly Invitae), Labcorp
Classification: Uncertain significance for Sialuria; GNE myopathy. Last evaluated: 2022-09-06. Review status: criteria provided, single submitter. Criteria: Invitae Variant Classification Sherloc (09022015). Collection method: clinical testing. Allele origin: germline.
Comment: This sequence change replaces arginine, which is basic and polar, with cysteine, which is neutral and slightly polar, at codon 233 of the GNE protein (p.Arg233Cys). This variant is present in population databases (rs756309840, gnomAD 0.002%). This variant has not been reported in the literature in individuals affected with GNE-related conditions. ClinVar contains an entry for this variant (Variation ID: 1389485). Algorithms developed to predict the effect of missense changes on protein structure and function are either unavailable or do not agree on the potential impact of this missense change (SIFT: "Deleterious"; PolyPhen-2: "Benign"; Align-GVGD: "Class C55"). In summary, the available evidence is currently insufficient to determine the role of this variant in disease. Therefore, it has been classified as a Variant of Uncertain Significance.

GeneDx
Classification: Uncertain significance. Last evaluated: 2021-09-10. Review status: criteria provided, single submitter. Criteria: GeneDx Variant Classification Process June 2021. Collection method: clinical testing. Allele origin: germline. Affected: yes.
Comment: Has not been previously published as pathogenic or benign to our knowledge; In silico analysis supports that this missense variant has a deleterious effect on protein structure/function